The following is an entry in ClinVar:

NM_001367624.2(ZNF469):c.1223G>A (p.Gly408Glu)

Gene: ZNF469 (zinc finger protein 469; plus strand). Cytogenetic location: 16q24.2.
Variant type: single nucleotide variant.
Coding change: c.1223G>A on transcript NM_001367624.2 (MANE Select); coding-DNA position 1223, G replaced by A.
Protein change: p.Gly408Glu; replaces glycine 408 with glutamic acid.
Molecular consequence: missense variant.
Genome position (GRCh38, 1-based): chr16:88,428,693, G>A. VCF-style: chr16-88428693-G-A. GRCh37 (hg19) VCF-style: chr16-88495101-G-A.
Other names: NM_001127464.1:c.1223G>A; short protein forms G408E.
Identifiers: ClinVar variation 3987334 (VCV003987334.1).

ClinVar aggregate classification (germline): Uncertain significance (1 of 4 stars; one submission).

Conditions:
Cardiovascular phenotype. Identifiers: MedGen CN230736.

Submission:

Ambry Genetics
Classification: Uncertain significance for Cardiovascular phenotype. Last evaluated: 2025-05-03. Review status: criteria provided, single submitter. Criteria: Ambry Variant Classification Scheme 2023. Collection method: clinical testing. Allele origin: germline.
Comment: The p.G408E variant (also known as c.1223G>A), located in coding exon 1 of the ZNF469 gene, results from a G to A substitution at nucleotide position 1223. The glycine at codon 408 is replaced by glutamic acid, an amino acid with similar properties. This amino acid position is conserved. In addition, this alteration is predicted to be tolerated by in silico analysis. Based on the available evidence, the clinical significance of this variant remains unclear.